The following is an entry in ClinVar:

ClinVar aggregate classification (germline): Likely benign (0 of 4 stars; one submission).

Conditions:
MDN1-related disorder. Also called: MDN1-related condition.

gnomAD v4.1: 32 of 1,613,954 alleles (0.002%); highest among the groups gnomAD compares: Middle Eastern, 0.016%; no homozygotes.

Submission:

PreventionGenetics, part of Exact Sciences
Classification: Likely benign for MDN1-related condition. Last evaluated: 2019-03-12. Review status: no assertion criteria provided. Collection method: clinical testing. Allele origin: germline.
Comment: This variant is classified as likely benign based on ACMG/AMP sequence variant interpretation guidelines (Richards et al. 2015 PMID: 25741868, with internal and published modifications).

NM_014611.3(MDN1):c.6102G>A (p.Pro2034=)

Gene: MDN1 (midasin AAA ATPase 1; minus strand). Cytogenetic location: 6q15.
Variant type: single nucleotide variant.
Coding change: c.6102G>A on transcript NM_014611.3 (MANE Select); coding-DNA position 6102, G replaced by A.
Protein change: p.Pro2034=; no amino-acid change (proline 2034 retained).
Molecular consequence: synonymous variant.
Genome position (GRCh38, 1-based): chr6:89,718,986, C>T on the plus strand (G>A on the coding strand, the complement: MDN1 is on the minus strand). VCF-style: chr6-89718986-C-T. GRCh37 (hg19) VCF-style: chr6-90428705-C-T.
Identifiers: ClinVar variation 3051207 (VCV003051207.2), dbSNP rs377455110, ClinGen allele CA3924631.